The following is an entry in ClinVar:

ClinVar aggregate classification (germline): Uncertain significance (1 of 4 stars; one submission).

Conditions:
Hereditary diffuse gastric adenocarcinoma (HDGC). Also called: DIFFUSE GASTRIC AND LOBULAR BREAST CANCER SYNDROME. Identifiers: Orphanet 26106, MedGen C1708349, MONDO:0007648, OMIM 137215.

Submission:

European Reference Network on Genetic Tumour Risk Syndromes (ERN-GENTURIS), i3s - Instituto de Investigação e Inovação em Saúde, University of Porto
Classification: Uncertain significance for Hereditary diffuse gastric adenocarcinoma. Last evaluated: 2022-08-01. Review status: criteria provided, single submitter. Criteria: Lee et al. (Hum Mutat. 2018). Collection method: clinical testing. Allele origin: germline. Inheritance: Autosomal dominant inheritance. Affected: yes. Study: ERN GENTURIS.
Comment: PS4_Supporting; PM2 (PMID: 30311375)

Literature cited by the submitters: PubMed 36436516.

NM_004360.5(CDH1):c.659T>G (p.Leu220Arg)

Gene: CDH1 (cadherin 1; plus strand). Cytogenetic location: 16q22.1.
Variant type: single nucleotide variant.
Coding change: c.659T>G on transcript NM_004360.5 (MANE Select); coding-DNA position 659, T replaced by G.
Protein change: p.Leu220Arg; replaces leucine 220 with arginine.
Molecular consequence: missense variant. On other transcripts: 5 prime UTR variant (2).
Genome position (GRCh38, 1-based): chr16:68,808,820, T>G. VCF-style: chr16-68808820-T-G. GRCh37 (hg19) VCF-style: chr16-68842723-T-G.
Other names: c.659T>G, p.Leu220Arg (NM_001317184.2); c.-957T>G (NM_001317185.2); c.-1161T>G (NM_001317186.2); short protein forms L220R.
Identifiers: ClinVar variation 2502923 (VCV002502923.1), dbSNP rs2543916348, ClinGen allele CA396458103.